The following is an entry in ClinVar:

ClinVar aggregate classification (germline): Conflicting classifications of pathogenicity. Review status: criteria provided, conflicting classifications (1 of 4 stars). 2 submissions from 2 submitters: Likely pathogenic (1); Uncertain significance (1). Last evaluated 2024-09-14.

Conditions:
Hereditary cancer-predisposing syndrome. Also called: Hereditary Cancer Syndrome; Neoplastic Syndromes, Hereditary; Tumor predisposition; Hereditary neoplastic syndrome. Identifiers: Orphanet 140162, MedGen C0027672, MeSH D009386, MONDO:0015356.
Cardiovascular phenotype. Identifiers: MedGen CN230736.
Neurofibromatosis, type 1 (NF1). Also called: VON RECKLINGHAUSEN DISEASE; Peripheral type neurofibromatosis; Neurofibromatosis, type I; NEUROFIBROMATOSIS, TYPE I, SOMATIC. Identifiers: Orphanet 636, MedGen C0027831, MONDO:0018975, OMIM 162200. Disease mechanism: loss of function.

Submissions (2):

Ambry Genetics
Classification: Uncertain significance for Cardiovascular phenotype; Hereditary cancer-predisposing syndrome. Last evaluated: 2024-09-14. Review status: criteria provided, single submitter. Criteria: Ambry Variant Classification Scheme 2023. Collection method: clinical testing. Allele origin: germline.
Comment: The p.C1016F variant (also known as c.3047G>T), located in coding exon 23 of the NF1 gene, results from a G to T substitution at nucleotide position 3047. The cysteine at codon 1016 is replaced by phenylalanine, an amino acid with highly dissimilar properties. Another variant at the same codon, p.C1016R (c.3046T>C), has been reported in individuals with features consistent with Neurofibromatous type I (Fauth C et al. Eur J Med Genet, 2009 Aug;52:409-14; Demir G&uuml;ndoan B et al. Turk J Med Sci, 2021 Aug; Ambry internal data). This amino acid position is highly conserved in available vertebrate species. In addition, this alteration is predicted to be deleterious by in silico analysis. Based on the available evidence, the clinical significance of this variant remains unclear.

Labcorp Genetics (formerly Invitae), Labcorp
Classification: Likely pathogenic for Neurofibromatosis, type 1. Last evaluated: 2022-09-01. Review status: criteria provided, single submitter. Criteria: Invitae Variant Classification Sherloc (09022015). Collection method: clinical testing. Allele origin: germline.
Comment: This variant has not been reported in the literature in individuals affected with NF1-related conditions. ClinVar contains an entry for this variant (Variation ID: 1346652). Advanced modeling of protein sequence and biophysical properties (such as structural, functional, and spatial information, amino acid conservation, physicochemical variation, residue mobility, and thermodynamic stability) performed at Invitae indicates that this missense variant is expected to disrupt NF1 protein function. This variant disrupts the p.Cys1016 amino acid residue in NF1. Other variant(s) that disrupt this residue have been determined to be pathogenic (PMID: 19665063, 25541118; Invitae). This suggests that this residue is clinically significant, and that variants that disrupt this residue are likely to be disease-causing. In summary, the currently available evidence indicates that the variant is pathogenic, but additional data are needed to prove that conclusively. Therefore, this variant has been classified as Likely Pathogenic. This variant is not present in population databases (gnomAD no frequency). This sequence change replaces cysteine, which is neutral and slightly polar, with phenylalanine, which is neutral and non-polar, at codon 1016 of the NF1 protein (p.Cys1016Phe).

Literature cited by the submitters: PubMed 19665063 (cited by Labcorp Genetics (formerly Invitae), Labcorp); PubMed 25541118 (cited by Labcorp Genetics (formerly Invitae), Labcorp).

NM_001042492.3(NF1):c.3047G>T (p.Cys1016Phe)

Gene: NF1 (neurofibromin 1; plus strand). Cytogenetic location: 17q11.2.
Variant type: single nucleotide variant.
Coding change: c.3047G>T on transcript NM_001042492.3 (MANE Select); coding-DNA position 3047, G replaced by T.
Protein change: p.Cys1016Phe; replaces cysteine 1016 with phenylalanine.
Molecular consequence: missense variant.
Genome position (GRCh38, 1-based): chr17:31,230,316, G>T. VCF-style: chr17-31230316-G-T. GRCh37 (hg19) VCF-style: chr17-29557334-G-T.
Other names: c.3047G>T, p.Cys1016Phe (NM_000267.4); short protein forms C1016F.
Identifiers: ClinVar variation 1346652 (VCV001346652.9), dbSNP rs2067091492, ClinGen allele CA398987369.